The following is an entry in ClinVar:

ClinVar aggregate classification (germline): association (0 of 4 stars; one submission).

Conditions:
Gastric cancer. Also called: Stomach cancer; Malignant tumor of stomach. Identifiers: MedGen C0024623, MeSH D013274, MONDO:0001056, OMIM 613659, HP:0012126.

gnomAD v4.1: 61,367 of 1,608,954 alleles (3.8%); highest among the groups gnomAD compares: South Asian, 6%; 1,445 homozygotes.

Submissions 1 to 32 of 48:

Hdge Lab, Department of Biotechnology, Mizoram University
Classification: association for Gastric cancer. Last evaluated: 2026-03-26. Review status: no assertion criteria provided. Collection method: case-control. Allele origin: germline. Affected: yes. Observed: 7 variant alleles.
Comment: Variant identified in a case-control study of gastric cancer. Allele frequencies were compared between cases and controls. Although an increased odds ratio was observed (OR=1.683, 95% CI=0.356-7.207) This variant is classified as "association" based on preliminary case-control evidence.

Dr. Peter K. Rogan Lab, Western University
No classification provided (evidence only). Condition: Acute myeloid leukemia. Review status: no classification provided. Collection method: in vitro. Allele origin: not applicable. Functional consequence: retained intron. Not counted in ClinVar's aggregate classification.

Dr. Peter K. Rogan Lab, Western University
No classification provided (evidence only). Condition: Acute myeloid leukemia. Review status: no classification provided. Collection method: in vitro. Allele origin: not applicable. Functional consequence: retained intron. Not counted in ClinVar's aggregate classification.

Dr. Peter K. Rogan Lab, Western University
No classification provided (evidence only). Condition: Acute myeloid leukemia. Review status: no classification provided. Collection method: in vitro. Allele origin: not applicable. Functional consequence: retained intron. Not counted in ClinVar's aggregate classification.

Dr. Peter K. Rogan Lab, Western University
No classification provided (evidence only). Condition: Acute myeloid leukemia. Review status: no classification provided. Collection method: in vitro. Allele origin: not applicable. Functional consequence: retained intron. Not counted in ClinVar's aggregate classification.

Dr. Peter K. Rogan Lab, Western University
No classification provided (evidence only). Condition: Colon adenocarcinoma. Review status: no classification provided. Collection method: in vitro. Allele origin: not applicable. Functional consequence: skipped exon, retained intron. Not counted in ClinVar's aggregate classification.

Dr. Peter K. Rogan Lab, Western University
No classification provided (evidence only). Condition: Colon adenocarcinoma. Review status: no classification provided. Collection method: in vitro. Allele origin: not applicable. Functional consequence: skipped exon, retained intron. Not counted in ClinVar's aggregate classification.

Dr. Peter K. Rogan Lab, Western University
No classification provided (evidence only). Condition: Colon adenocarcinoma. Review status: no classification provided. Collection method: in vitro. Allele origin: not applicable. Functional consequence: retained intron. Not counted in ClinVar's aggregate classification.

Dr. Peter K. Rogan Lab, Western University
No classification provided (evidence only). Condition: Colon adenocarcinoma. Review status: no classification provided. Collection method: in vitro. Allele origin: not applicable. Functional consequence: retained intron. Not counted in ClinVar's aggregate classification.

Dr. Peter K. Rogan Lab, Western University
No classification provided (evidence only). Condition: Colon adenocarcinoma. Review status: no classification provided. Collection method: in vitro. Allele origin: not applicable. Functional consequence: skipped exon, retained intron. Not counted in ClinVar's aggregate classification.

Dr. Peter K. Rogan Lab, Western University
No classification provided (evidence only). Condition: Colon adenocarcinoma. Review status: no classification provided. Collection method: in vitro. Allele origin: not applicable. Functional consequence: skipped exon. Not counted in ClinVar's aggregate classification.

Dr. Peter K. Rogan Lab, Western University
No classification provided (evidence only). Condition: Colon adenocarcinoma. Review status: no classification provided. Collection method: in vitro. Allele origin: not applicable. Functional consequence: retained intron. Not counted in ClinVar's aggregate classification.

Dr. Peter K. Rogan Lab, Western University
No classification provided (evidence only). Condition: Colon adenocarcinoma. Review status: no classification provided. Collection method: in vitro. Allele origin: not applicable. Functional consequence: retained intron. Not counted in ClinVar's aggregate classification.

Dr. Peter K. Rogan Lab, Western University
No classification provided (evidence only). Condition: Colon adenocarcinoma. Review status: no classification provided. Collection method: in vitro. Allele origin: not applicable. Functional consequence: skipped exon, retained intron. Not counted in ClinVar's aggregate classification.

Dr. Peter K. Rogan Lab, Western University
No classification provided (evidence only). Condition: Colon adenocarcinoma. Review status: no classification provided. Collection method: in vitro. Allele origin: not applicable. Functional consequence: skipped exon, retained intron. Not counted in ClinVar's aggregate classification.

Dr. Peter K. Rogan Lab, Western University
No classification provided (evidence only). Condition: Colorectal cancer. Review status: no classification provided. Collection method: in vitro. Allele origin: not applicable. Functional consequence: skipped exon, retained intron. Not counted in ClinVar's aggregate classification.

Dr. Peter K. Rogan Lab, Western University
No classification provided (evidence only). Condition: Colorectal cancer. Review status: no classification provided. Collection method: in vitro. Allele origin: not applicable. Functional consequence: skipped exon, retained intron. Not counted in ClinVar's aggregate classification.

Dr. Peter K. Rogan Lab, Western University
No classification provided (evidence only). Condition: Cervical cancer. Review status: no classification provided. Collection method: in vitro. Allele origin: not applicable. Functional consequence: skipped exon. Not counted in ClinVar's aggregate classification.

Dr. Peter K. Rogan Lab, Western University
No classification provided (evidence only). Condition: Cervical cancer. Review status: no classification provided. Collection method: in vitro. Allele origin: not applicable. Functional consequence: skipped exon, retained intron. Not counted in ClinVar's aggregate classification.

Dr. Peter K. Rogan Lab, Western University
No classification provided (evidence only). Condition: Cervical cancer. Review status: no classification provided. Collection method: in vitro. Allele origin: not applicable. Functional consequence: retained intron. Not counted in ClinVar's aggregate classification.

Dr. Peter K. Rogan Lab, Western University
No classification provided (evidence only). Condition: Cervical cancer. Review status: no classification provided. Collection method: in vitro. Allele origin: not applicable. Functional consequence: skipped exon, retained intron. Not counted in ClinVar's aggregate classification.

Dr. Peter K. Rogan Lab, Western University
No classification provided (evidence only). Condition: Cervical cancer. Review status: no classification provided. Collection method: in vitro. Allele origin: not applicable. Functional consequence: retained intron. Not counted in ClinVar's aggregate classification.

Dr. Peter K. Rogan Lab, Western University
No classification provided (evidence only). Condition: Cervical cancer. Review status: no classification provided. Collection method: in vitro. Allele origin: not applicable. Functional consequence: skipped exon, retained intron. Not counted in ClinVar's aggregate classification.

Dr. Peter K. Rogan Lab, Western University
No classification provided (evidence only). Condition: Cervical cancer. Review status: no classification provided. Collection method: in vitro. Allele origin: not applicable. Functional consequence: retained intron. Not counted in ClinVar's aggregate classification.

Dr. Peter K. Rogan Lab, Western University
No classification provided (evidence only). Condition: Cervical cancer. Review status: no classification provided. Collection method: in vitro. Allele origin: not applicable. Functional consequence: retained intron. Not counted in ClinVar's aggregate classification.

Dr. Peter K. Rogan Lab, Western University
No classification provided (evidence only). Condition: Sarcoma. Review status: no classification provided. Collection method: in vitro. Allele origin: not applicable. Functional consequence: skipped exon, retained intron. Not counted in ClinVar's aggregate classification.

Dr. Peter K. Rogan Lab, Western University
No classification provided (evidence only). Condition: Sarcoma. Review status: no classification provided. Collection method: in vitro. Allele origin: not applicable. Functional consequence: skipped exon, retained intron. Not counted in ClinVar's aggregate classification.

Dr. Peter K. Rogan Lab, Western University
No classification provided (evidence only). Condition: Sarcoma. Review status: no classification provided. Collection method: in vitro. Allele origin: not applicable. Functional consequence: retained intron. Not counted in ClinVar's aggregate classification.

Dr. Peter K. Rogan Lab, Western University
No classification provided (evidence only). Condition: Malignant lymphoma, large B-cell, diffuse. Review status: no classification provided. Collection method: in vitro. Allele origin: not applicable. Functional consequence: retained intron. Not counted in ClinVar's aggregate classification.

Dr. Peter K. Rogan Lab, Western University
No classification provided (evidence only). Condition: Thymoma. Review status: no classification provided. Collection method: in vitro. Allele origin: not applicable. Functional consequence: skipped exon, retained intron. Not counted in ClinVar's aggregate classification.

Dr. Peter K. Rogan Lab, Western University
No classification provided (evidence only). Condition: Thymoma. Review status: no classification provided. Collection method: in vitro. Allele origin: not applicable. Functional consequence: retained intron. Not counted in ClinVar's aggregate classification.

Dr. Peter K. Rogan Lab, Western University
No classification provided (evidence only). Condition: Thymoma. Review status: no classification provided. Collection method: in vitro. Allele origin: not applicable. Functional consequence: skipped exon. Not counted in ClinVar's aggregate classification.

NM_000903.3(NQO1):c.415C>T (p.Arg139Trp)

Gene: NQO1 (NAD(P)H quinone dehydrogenase 1; minus strand). Cytogenetic location: 16q22.1.
Variant type: single nucleotide variant.
Coding change: c.415C>T on transcript NM_000903.3 (MANE Select); coding-DNA position 415, C replaced by T.
Protein change: p.Arg139Trp; replaces arginine 139 with tryptophan.
Molecular consequence: missense variant. On other transcripts: intron variant (2).
Genome position (GRCh38, 1-based): chr16:69,714,966, G>A on the plus strand (C>T on the coding strand, the complement: NQO1 is on the minus strand). VCF-style: chr16-69714966-G-A. GRCh37 (hg19) VCF-style: chr16-69748869-G-A.
Other names: NC_000016.9:g.69748869G>A; c.415C>T, p.Arg139Trp (NM_001025433.2); c.303+3157C>T (NM_001286137.2); c.304-1837C>T (NM_001025434.2); short protein forms R139W.
Identifiers: ClinVar variation 4414689 (VCV004414689.2), dbSNP rs1131341.